The following is an entry in ClinVar:

NM_032977.4(CASP10):c.89A>T (p.Asn30Ile)

Gene: CASP10 (caspase 10; plus strand). Cytogenetic location: 2q33.1.
Variant type: single nucleotide variant.
Coding change: c.89A>T on transcript NM_032977.4 (MANE Select); coding-DNA position 89, A replaced by T.
Protein change: p.Asn30Ile; replaces asparagine 30 with isoleucine.
Molecular consequence: missense variant.
Genome position (GRCh38, 1-based): chr2:201,185,866, A>T. VCF-style: chr2-201185866-A-T. GRCh37 (hg19) VCF-style: chr2-202050589-A-T.
Other names: c.89A>T, p.Asn30Ile (NM_001206524.2, NM_001206542.2, NM_001230.5 and 3 more transcripts); short protein forms N30I.
Identifiers: ClinVar variation 1410685 (VCV001410685.6), dbSNP rs201782416, ClinGen allele CA2052775.

ClinVar aggregate classification (germline): Uncertain significance (1 of 4 stars; one submission).

Conditions:
Autoimmune lymphoproliferative syndrome type 2A (ALPS2A). Also called: Autoimmune lymphoproliferative syndrome type 2; CASP10-Related Autoimmune Lymphoproliferative Syndrome; AUTOIMMUNE LYMPHOPROLIFERATIVE SYNDROME, TYPE IIA. Identifiers: Orphanet 3261, MedGen C1858968, MONDO:0011383, OMIM 603909.

Allele frequency attached by ClinVar (database versions not stated): gnomAD 0.00003; TOPMed 0.00004; ExAC 0.00007; gnomAD exomes 0.00008.

Submission:

Labcorp Genetics (formerly Invitae), Labcorp
Classification: Uncertain significance for Autoimmune lymphoproliferative syndrome type 2A. Last evaluated: 2025-06-17. Review status: criteria provided, single submitter. Criteria: Invitae Variant Classification Sherloc (09022015). Collection method: clinical testing. Allele origin: germline.
Comment: This sequence change replaces asparagine, which is neutral and polar, with isoleucine, which is neutral and non-polar, at codon 30 of the CASP10 protein (p.Asn30Ile). This variant is present in population databases (rs201782416, gnomAD 0.2%), and has an allele count higher than expected for a pathogenic variant. This variant has not been reported in the literature in individuals affected with CASP10-related conditions. ClinVar contains an entry for this variant (Variation ID: 1410685). Invitae Evidence Modeling of protein sequence and biophysical properties (such as structural, functional, and spatial information, amino acid conservation, physicochemical variation, residue mobility, and thermodynamic stability) has been performed for this missense variant. However, the output from this modeling did not meet the statistical confidence thresholds required to predict the impact of this variant on CASP10 protein function. In summary, the available evidence is currently insufficient to determine the role of this variant in disease. Therefore, it has been classified as a Variant of Uncertain Significance.